The following is an entry in ClinVar:

NM_004036.5(ADCY3):c.1321G>C (p.Val441Leu)

Gene: ADCY3 (adenylate cyclase 3; minus strand). Cytogenetic location: 2p23.3.
Variant type: single nucleotide variant.
Coding change: c.1321G>C on transcript NM_004036.5 (MANE Select); coding-DNA position 1321, G replaced by C.
Protein change: p.Val441Leu; replaces valine 441 with leucine.
Molecular consequence: missense variant.
Genome position (GRCh38, 1-based): chr2:24,839,907, C>G on the plus strand (G>C on the coding strand, the complement: ADCY3 is on the minus strand). VCF-style: chr2-24839907-C-G. GRCh37 (hg19) VCF-style: chr2-25062776-C-G.
Other names: c.1321G>C, p.Val441Leu (NM_001320613.2, NM_001377128.1, NM_001377129.1 and 2 more transcripts); c.598G>C, p.Val200Leu (NM_001377131.1); short protein forms V441L, V200L.
Identifiers: ClinVar variation 5001727 (VCV005001727.1).

ClinVar aggregate classification (germline): Uncertain significance (1 of 4 stars; one submission).

Conditions:
ADCY3-related disorder. Also called: ADCY3-related condition.

gnomAD v4.1: 1 of 1,613,768 alleles (0.000062%); highest among the groups gnomAD compares: Admixed American, 0.0017%; no homozygotes.

Submission:

PreventionGenetics, part of Exact Sciences
Classification: Uncertain significance for ADCY3-related condition. Last evaluated: 2025-02-26. Review status: criteria provided, single submitter. Criteria: ACMG Guidelines, 2015. Collection method: clinical testing. Allele origin: germline.
Comment: The ADCY3 c.1321G>C variant is predicted to result in the amino acid substitution p.Val441Leu. To our knowledge, this variant has not been reported in the literature or in a large population database (gnomAD), indicating this variant is rare. At this time, the clinical significance of this variant is uncertain due to the absence of conclusive functional and genetic evidence.